The following is an entry in ClinVar:

ClinVar aggregate classification (germline): Likely pathogenic (1 of 4 stars; one submission).

Conditions:
Maple syrup urine disease type 1A (MSUD1A). Also called: MSUD type 1A. Identifiers: MedGen C1855369, MONDO:0023691, OMIM 248600.

Submission:

Natera, Inc.
Classification: Likely pathogenic for Maple syrup urine disease type 1A. Last evaluated: 2025-05-22. Review status: criteria provided, single submitter. Criteria: Natera Variant Classification Schema (03/2026). Collection method: clinical testing. Allele origin: germline.
Comment: The c.912del variant in BCKDHA is a frameshift variant predicted to shift the reading frame beginning at codon 304 and leads to a stop codon 26 codons downstream. This variant is expected to result in nonsense mediated decay, truncation, or a dysfunctional protein product. This variant is rare in the general population with a frequency below the threshold expected for the associated phenotype(s). Given the available evidence, this variant is classified as Likely Pathogenic.

NM_000709.4(BCKDHA):c.912del (p.Phe304fs)

Gene: BCKDHA (branched chain keto acid dehydrogenase E1 subunit alpha; plus strand). Cytogenetic location: 19q13.2.
Variant type: Deletion.
Coding change: c.912del on transcript NM_000709.4 (MANE Select); coding-DNA position 912, one base deleted (T; older notation c.912delT).
Protein change: p.Phe304fs; shifts the reading frame from phenylalanine 304.
Molecular consequence: frameshift variant.
Genome position (GRCh38, 1-based): chr19:41,422,687, T deleted; the last of 3 consecutive T bases (chr19:41,422,685-41,422,687); deleting any one gives the same sequence. VCF-style (leftmost placement, unchanged base first): chr19-41422684-GT-G. GRCh37 (hg19) VCF-style: chr19-41928589-GT-G.
Other names: c.909del, p.Phe303fs (NM_001164783.2); short protein forms F303fs, F304fs.
Identifiers: ClinVar variation 4063790 (VCV004063790.2).